The following is an entry in ClinVar:

ClinVar aggregate classification (germline): Uncertain significance. Review status: criteria provided, multiple submitters, no conflicts (2 of 4 stars). 3 submissions from 3 submitters: Uncertain significance (3). Last evaluated 2025-03-11.

Conditions:
Cardiomyopathy (CMYO). Also called: Cardiomyopathies. Identifiers: Orphanet 167848, MedGen C0878544, MONDO:0004994, HP:0001638. Inheritance: Various modes of inheritance.
TTN-related disorder. Also called: TTN-related condition; TTN-related disease; TTN-related disorders.

Allele frequency attached by ClinVar (database versions not stated): ExAC 0.00004; gnomAD 0.00004 and 0.00007; gnomAD exomes 0.00005; TOPMed 0.00005; 1000 Genomes Project 30x 0.00031; ESP Exome Variant Server 0.00033.
gnomAD v4.1: 130 of 1,613,878 alleles (0.0081%); highest among the groups gnomAD compares: Non-Finnish European, 0.0094%; no homozygotes.

Submissions (3):

PreventionGenetics, part of Exact Sciences
Classification: Uncertain significance for TTN-related condition. Last evaluated: 2025-03-11. Review status: criteria provided, single submitter. Criteria: ACMG Guidelines, 2015. Collection method: clinical testing. Allele origin: germline.
Comment: The TTN c.29309G>A variant is predicted to result in the amino acid substitution p.Arg9770Gln. To our knowledge, this variant has not been reported in the literature. This variant is reported in 0.013% of alleles in individuals of African descent in gnomAD. At this time, the clinical significance of this variant is uncertain due to the absence of conclusive functional and genetic evidence.

Revvity Omics, Revvity
Classification: Uncertain significance. Last evaluated: 2024-01-30. Review status: criteria provided, single submitter. Criteria: ACMG Guidelines, 2015. Collection method: clinical testing. Allele origin: germline.

CHEO Genetics Diagnostic Laboratory, Children's Hospital of Eastern Ontario
Classification: Uncertain significance for Cardiomyopathy. Last evaluated: 2022-05-31. Review status: criteria provided, single submitter. Criteria: ACMG Guidelines, 2015. Collection method: clinical testing. Allele origin: germline. Study: Canadian Open Genetics Repository.

NM_001267550.2(TTN):c.29309G>A (p.Arg9770Gln)

Gene: TTN (titin; minus strand). Cytogenetic location: 2q31.2.
Variant type: single nucleotide variant.
Coding change: c.29309G>A on transcript NM_001267550.2 (MANE Select); coding-DNA position 29309, G replaced by A.
Protein change: p.Arg9770Gln; replaces arginine 9770 with glutamine.
Molecular consequence: missense variant. On other transcripts: intron variant (3).
Genome position (GRCh38, 1-based): chr2:178,706,565, C>T on the plus strand (G>A on the coding strand, the complement: TTN is on the minus strand). VCF-style: chr2-178706565-C-T. GRCh37 (hg19) VCF-style: chr2-179571292-C-T.
Other names: c.28358G>A, p.Arg9453Gln (NM_001256850.1); c.25577G>A, p.Arg8526Gln (NM_133378.4); c.13282+31517G>A (NM_003319.4); c.13858+31517G>A (NM_133437.4); c.13657+31517G>A (NM_133432.3); short protein forms R9453Q, R9770Q, R8526Q.
Identifiers: ClinVar variation 626649 (VCV000626649.7), dbSNP rs368309068, ClinGen allele CA1999411.